The following is an entry in ClinVar:

NM_182943.3(PLOD2):c.1532C>T (p.Pro511Leu)

Gene: PLOD2 (procollagen-lysine,2-oxoglutarate 5-dioxygenase 2; minus strand). Cytogenetic location: 3q24.
Variant type: single nucleotide variant.
Coding change: c.1532C>T on transcript NM_182943.3 (MANE Select); coding-DNA position 1532, C replaced by T.
Protein change: p.Pro511Leu; replaces proline 511 with leucine.
Molecular consequence: missense variant. On other transcripts: intron variant (1).
Genome position (GRCh38, 1-based): chr3:146,077,893, G>A on the plus strand (C>T on the coding strand, the complement: PLOD2 is on the minus strand). VCF-style: chr3-146077893-G-A. GRCh37 (hg19) VCF-style: chr3-145795680-G-A.
Other names: c.1501-998C>T (NM_000935.3); short protein forms P511L.
Identifiers: ClinVar variation 1483168 (VCV001483168.7), dbSNP rs149042182, ClinGen allele CA2654850.

ClinVar aggregate classification (germline): Uncertain significance (1 of 4 stars; one submission).

Allele frequency attached by ClinVar (database versions not stated): gnomAD 0.00001; ESP Exome Variant Server 0.00008; TOPMed 0.00003.
gnomAD v4.1: 38 of 1,600,018 alleles (0.0024%); highest among the groups gnomAD compares: East Asian, 0.0067%; no homozygotes.

Submission:

Labcorp Genetics (formerly Invitae), Labcorp
Classification: Uncertain significance. Last evaluated: 2021-06-19. Review status: criteria provided, single submitter. Criteria: Invitae Variant Classification Sherloc (09022015). Collection method: clinical testing. Allele origin: germline.
Comment: In summary, the available evidence is currently insufficient to determine the role of this variant in disease. Therefore, it has been classified as a Variant of Uncertain Significance. Algorithms developed to predict the effect of missense changes on protein structure and function are either unavailable or do not agree on the potential impact of this missense change (SIFT: "Deleterious"; PolyPhen-2: "Benign"; Align-GVGD: "Class C0"). This variant has not been reported in the literature in individuals with PLOD2-related conditions. This variant is present in population databases (rs149042182, ExAC 0.02%). This sequence change replaces proline with leucine at codon 511 of the PLOD2 protein (p.Pro511Leu). The proline residue is weakly conserved and there is a moderate physicochemical difference between proline and leucine.